The following is an entry in ClinVar:

NM_001367624.2(ZNF469):c.4595G>A (p.Arg1532Gln)

Gene: ZNF469 (zinc finger protein 469; plus strand). Cytogenetic location: 16q24.2.
Variant type: single nucleotide variant.
Coding change: c.4595G>A on transcript NM_001367624.2 (MANE Select); coding-DNA position 4595, G replaced by A.
Protein change: p.Arg1532Gln; replaces arginine 1532 with glutamine.
Molecular consequence: missense variant.
Genome position (GRCh38, 1-based): chr16:88,432,065, G>A. VCF-style: chr16-88432065-G-A. GRCh37 (hg19) VCF-style: chr16-88498473-G-A.
Other names: NM_001127464.1:c.4511G>A; short protein forms R1532Q.
Identifiers: ClinVar variation 1313109 (VCV001313109.6), dbSNP rs911235059, ClinGen allele CA286376327.

ClinVar aggregate classification (germline): Conflicting classifications of pathogenicity. Review status: criteria provided, conflicting classifications (1 of 4 stars). 4 submissions from 4 submitters: Uncertain significance (3); Likely benign (1). Last evaluated 2026-05-01.

Conditions:
Cardiovascular phenotype. Identifiers: MedGen CN230736.

Allele frequency attached by ClinVar (database versions not stated): gnomAD 0.00012 and 0.00013; gnomAD exomes 0.00004 and 0.00003; TOPMed 0.00006.
gnomAD v4.1: 71 of 1,550,538 alleles (0.0046%); highest among the groups gnomAD compares: African/African-American, 0.027%; no homozygotes.

Submissions (4):

Women's Health and Genetics/Laboratory Corporation of America, LabCorp
Classification: Uncertain significance. Last evaluated: 2026-05-01. Review status: criteria provided, single submitter. Criteria: LabCorp Variant Classification Summary - May 2015. Collection method: clinical testing. Allele origin: germline.
Comment: Variant summary: ZNF469 c.4595G>A (p.Arg1532Gln) results in a conservative amino acid change in the encoded protein sequence. Algorithms developed to predict the effect of missense changes on protein structure and function are either unavailable or do not agree on the potential impact of this missense change. The variant allele was found at a frequency of 3.2e-05 in 154008 control chromosomes. The available data on variant occurrences in the general population are insufficient to allow any conclusion about variant significance. To our knowledge, no occurrence of c.4595G>A in individuals affected with ZNF469-related conditions and no experimental evidence demonstrating its impact on protein function have been reported. ClinVar contains an entry for this variant (Variation ID: 1313109). Based on the evidence outlined above, the variant was classified as uncertain significance.

Ambry Genetics
Classification: Likely benign for Cardiovascular phenotype. Last evaluated: 2021-08-26. Review status: criteria provided, single submitter. Criteria: Ambry Variant Classification Scheme 2023. Collection method: clinical testing. Allele origin: germline.

GeneDx
Classification: Uncertain significance. Last evaluated: 2020-07-10. Review status: criteria provided, single submitter. Criteria: GeneDx Variant Classification Process June 2021. Collection method: clinical testing. Allele origin: germline. Affected: yes.
Comment: In silico analysis supports that this missense variant does not alter protein structure/function; Has not been previously published as pathogenic or benign to our knowledge

Breakthrough Genomics
Classification: Uncertain significance. Review status: criteria provided, single submitter. Criteria: ACMG Guidelines, 2015. Collection method: not provided. Allele origin: germline. Inheritance: Autosomal recessive inheritance. Affected: yes.